The following is an entry in ClinVar:

NM_032485.6(MCM8):c.134G>A (p.Gly45Glu)

Gene: MCM8 (minichromosome maintenance 8 homologous recombination repair factor; plus strand). Cytogenetic location: 20p12.3.
Variant type: single nucleotide variant.
Coding change: c.134G>A on transcript NM_032485.6 (MANE Select); coding-DNA position 134, G replaced by A.
Protein change: p.Gly45Glu; replaces glycine 45 with glutamic acid.
Molecular consequence: missense variant.
Genome position (GRCh38, 1-based): chr20:5,952,149, G>A. VCF-style: chr20-5952149-G-A. GRCh37 (hg19) VCF-style: chr20-5932795-G-A.
Other names: c.134G>A, p.Gly45Glu (NM_001281520.2, NM_001281521.2, NM_001281522.2 and 1 more transcripts); short protein forms G45E.
Identifiers: ClinVar variation 1708992 (VCV001708992.3), dbSNP rs577098006, ClinGen allele CA9756343.

ClinVar aggregate classification (germline): Uncertain significance. Review status: criteria provided, multiple submitters, no conflicts (2 of 4 stars). 2 submissions from 2 submitters: Uncertain significance (2). Last evaluated 2026-08-01.

Conditions:
Premature ovarian failure 10 (POF10). Identifiers: MedGen C4225402, MONDO:0044776, OMIM 612885.

Allele frequency attached by ClinVar (database versions not stated): TOPMed 0.00003; gnomAD 0.00007; gnomAD exomes 0.00008; ExAC 0.00012; 1000 Genomes Project 0.00040; 1000 Genomes Project 30x 0.00062.
gnomAD v4.1: 144 of 1,613,536 alleles (0.0089%); highest among the groups gnomAD compares: South Asian, 0.07%; no homozygotes.

Submissions (2):

CeGaT Center for Human Genetics Tuebingen
Classification: Uncertain significance. Last evaluated: 2026-08-01. Review status: criteria provided, single submitter. Criteria: CeGaT Center For Human Genetics Tuebingen Variant Classification Criteria Version 2. Collection method: clinical testing. Allele origin: germline. Affected: yes. Observed: 1 variant allele.
Comment: MCM8: PM2, BP4

MGZ Medical Genetics Center
Classification: Uncertain significance for Premature ovarian failure 10. Last evaluated: 2022-01-27. Review status: criteria provided, single submitter. Criteria: ACMG Guidelines, 2015. Collection method: clinical testing. Allele origin: germline. Affected: yes. Observed: 1 variant allele.
Comment: ACMG criteria applied: PM2_SUP, BP4